The following is an entry in ClinVar:

NM_001498.4(GCLC):c.935G>A (p.Arg312Gln)

Gene: GCLC (glutamate-cysteine ligase catalytic subunit; minus strand). Cytogenetic location: 6p12.1.
Variant type: single nucleotide variant.
Coding change: c.935G>A on transcript NM_001498.4 (MANE Select); coding-DNA position 935, G replaced by A.
Protein change: p.Arg312Gln; replaces arginine 312 with glutamine.
Molecular consequence: missense variant.
Genome position (GRCh38, 1-based): chr6:53,508,605, C>T on the plus strand (G>A on the coding strand, the complement: GCLC is on the minus strand). VCF-style: chr6-53508605-C-T. GRCh37 (hg19) VCF-style: chr6-53373403-C-T.
Other names: p.Arg312Gln; c.821G>A, p.Arg274Gln (NM_001197115.2); short protein forms R274Q, R312Q.
Identifiers: ClinVar variation 2689119 (VCV002689119.3), dbSNP rs200246491, ClinGen allele CA3860219.

ClinVar aggregate classification (germline): Uncertain significance. Review status: criteria provided, multiple submitters, no conflicts (2 of 4 stars). 2 submissions from 2 submitters: Uncertain significance (2). Last evaluated 2024-03-21.

Conditions:
Gamma-glutamylcysteine synthetase deficiency (CNSHA7). Also called: ANEMIA, CONGENITAL, NONSPHEROCYTIC HEMOLYTIC, 7. Identifiers: Orphanet 33574, MedGen C1856603, MONDO:0009259, OMIM 230450.

Allele frequency attached by ClinVar (database versions not stated): ExAC 0.00001; gnomAD exomes 0.00001; TOPMed 0.00001; 1000 Genomes Project 30x 0.00016; 1000 Genomes Project 0.00020.
gnomAD v4.1: 23 of 1,600,676 alleles (0.0014%); highest among the groups gnomAD compares: African/African-American, 0.004%; no homozygotes.

Submissions (2):

Mayo Clinic Laboratories, Mayo Clinic
Classification: Uncertain significance. Last evaluated: 2024-03-21. Review status: criteria provided, single submitter. Criteria: ACMG Guidelines, 2015. Collection method: clinical testing. Allele origin: germline. Observed: 1 variant allele.
Comment: PM2_moderate

Revvity Omics, Revvity
Classification: Uncertain significance for Gamma-glutamylcysteine synthetase deficiency. Last evaluated: 2023-06-15. Review status: criteria provided, single submitter. Criteria: ACMG Guidelines, 2015. Collection method: clinical testing. Allele origin: germline.